The following is an entry in ClinVar:

NM_002907.4(RECQL):c.1081T>C (p.Ser361Pro)

Gene: RECQL (RecQ like helicase; minus strand). Cytogenetic location: 12p12.1.
Variant type: single nucleotide variant.
Coding change: c.1081T>C on transcript NM_002907.4 (MANE Select); coding-DNA position 1081, T replaced by C.
Protein change: p.Ser361Pro; replaces serine 361 with proline.
Molecular consequence: missense variant.
Genome position (GRCh38, 1-based): chr12:21,475,693, A>G on the plus strand (T>C on the coding strand, the complement: RECQL is on the minus strand). VCF-style: chr12-21475693-A-G. GRCh37 (hg19) VCF-style: chr12-21628627-A-G.
Other names: c.1081T>C, p.Ser361Pro (NM_032941.3); short protein forms S361P.
Identifiers: ClinVar variation 4826752 (VCV004826752.1).
Genomic context (GRCh38, chr12:21,475,693, plus strand): 5'-TTTTAAAGGTAAATTAGGCTTCTATGGAAGATATAGACCTAACCTGAATTTCATTGGCTG[A>G]CCATTTTCTATGAACTGTGGTCTTATCTTCTGGCTCCAAATTGGCATGGTAAGCACCTGC-3'
Protein context (NP_002898.2, residues 351-371): EDKTTVHRKW[Ser361Pro]ANEIQVVVAT

ClinVar aggregate classification (germline): Uncertain significance (1 of 4 stars; one submission).

Submission:

Ambry Genetics
Classification: Uncertain significance. Last evaluated: 2026-03-14. Review status: criteria provided, single submitter. Criteria: Ambry Variant Classification Scheme 2023. Collection method: clinical testing. Allele origin: germline.
Comment: The p.S361P variant (also known as c.1081T>C), located in coding exon 8 of the RECQL gene, results from a T to C substitution at nucleotide position 1081. The serine at codon 361 is replaced by proline, an amino acid with similar properties. This amino acid position is conserved. In addition, this alteration is predicted to be tolerated by in silico analysis. Based on the available evidence, the clinical significance of this variant remains unclear.